The following is an entry in ClinVar:

ClinVar aggregate classification (germline): Likely benign. Review status: reviewed by expert panel (3 of 4 stars). 2 submissions from 2 submitters: Likely benign (1). 1 of the submissions does not count toward it. Last evaluated 2023-08-15.

Conditions:
Glanzmann thrombasthenia. Also called: BLEEDING DISORDER, PLATELET-TYPE, 2; THROMBASTHENIA OF GLANZMANN AND NAEGELI; Glanzmann's thrombasthenia; Thrombasthenia; PLATELET GLYCOPROTEIN IIb-IIIa DEFICIENCY. Identifiers: Orphanet 849, MedGen C0040015, MONDO:0100326.

Allele frequency attached by ClinVar (database versions not stated): ExAC 0.00001; gnomAD exomes 0.00001; gnomAD 0.00002; TOPMed 0.00006.
gnomAD v4.1: 17 of 1,613,728 alleles (0.0011%); highest among the groups gnomAD compares: Admixed American, 0.01%; no homozygotes.

Submissions (2):

ClinGen Platelet Disorders Variant Curation Expert Panel, ClinGen
Classification: Likely benign for Glanzmann thrombasthenia. Last evaluated: 2023-08-15. Review status: reviewed by expert panel. Criteria: ClinGen Platelet ACMG Specifications v2-1. Collection method: curation. Allele origin: germline. Inheritance: Autosomal recessive inheritance.
Comment: After a comprehensive literature search of the synonymous variant NM_000419.5(ITGA2B):c.690A>C (p.Pro230=), no individuals with Glanzmann thrombasthenia were reported with the variant. The variant has a minor allele frequency of 0.00002891 (1/34592 alleles) in the Latino population population in gnomAD, which meets the threshold criteria for PM2_supporting. In silico predictor spliceAI revealed that the synonymous mutation is not expected to impact splicing and a PhyloP score of -0.982 shows that the nucleotide position is not highly conserved (BP4, BP7). In summary, this variant is classified as likely benign for autosomal recessive Glanzmann Thrombasthenia based on the ACMG/AMP criteria applied, as specified by the ClinGen PD-VCEP: PM2_Supporting, BP4, BP7. (PD VCEP specifications version 2.1).

Labcorp Genetics (formerly Invitae), Labcorp
Classification: Likely benign for Glanzmann thrombasthenia. Last evaluated: 2025-09-19. Review status: criteria provided, single submitter. Criteria: Invitae Variant Classification Sherloc (09022015). Collection method: clinical testing. Allele origin: germline. Not counted in ClinVar's aggregate classification.

NM_000419.5(ITGA2B):c.690A>C (p.Pro230=)

Gene: ITGA2B (integrin subunit alpha 2b; minus strand). Cytogenetic location: 17q21.31.
Variant type: single nucleotide variant.
Coding change: c.690A>C on transcript NM_000419.5 (MANE Select); coding-DNA position 690, A replaced by C.
Protein change: p.Pro230=; no amino-acid change (proline 230 retained).
Molecular consequence: synonymous variant.
Genome position (GRCh38, 1-based): chr17:44,385,057, T>G on the plus strand (A>C on the coding strand, the complement: ITGA2B is on the minus strand). VCF-style: chr17-44385057-T-G. GRCh37 (hg19) VCF-style: chr17-42462425-T-G.
Other names: NM_000419.5(ITGA2B):c.690A>C; p.Pro230=.
Identifiers: ClinVar variation 740616 (VCV000740616.4), dbSNP rs776840984, ClinGen allele CA8603369.
Genomic context (GRCh38, chr17:44,385,057, plus strand): 5'-CTGGGAGGACACGTGCCACAAAAGGATGCCTGGGCGGTAACTCGAGAAAATATCCGCAAC[T>G]GGAGCCTGGGCCAGGAGACCTAGGGCGGGAGGGACAGCGGGTGTGAAGCCCAAAGCGGTC-3'
Protein context (NP_000410.2, residues 220-240): YYFLGLLAQA[Pro230=]VADIFSSYRP